The following is an entry in ClinVar:

NM_001482.3(GATM):c.10G>A (p.Val4Met)

Genes: GATM (glycine amidinotransferase; minus strand), LOC130056991 (ATAC-STARR-seq lymphoblastoid silent region 6406; plus strand). Cytogenetic location: 15q21.1.
Variant type: single nucleotide variant.
Coding change: c.10G>A on transcript NM_001482.3 (MANE Select); coding-DNA position 10, G replaced by A.
Protein change: p.Val4Met; replaces valine 4 with methionine.
Molecular consequence: missense variant. On other transcripts: intron variant (1).
Genome position (GRCh38, 1-based): chr15:45,378,444, C>T on the plus strand (G>A on the coding strand, the complement: GATM is on the minus strand). VCF-style: chr15-45378444-C-T. GRCh37 (hg19) VCF-style: chr15-45670642-C-T.
Other names: c.-318-1625G>A (NM_001321015.2); short protein forms V4M.
Identifiers: ClinVar variation 2201278 (VCV002201278.4), dbSNP rs1252937232, ClinGen allele CA392266734.
Genomic context (GRCh38, chr15:45,378,444, plus strand): 5'-CCCGAGATCCGATGTAGTGCACCGCCTCGGCGCCGCGGCTCCCGCCGCGCAGACACCGCA[C>T]CCGCAGCATCGCCCTGGCCCGGCTGGTCCACGCGCGGAATGTTCCTGGCCTCTGGGCCGC-3'
Protein context (NP_001473.1, residues 1-14): MLR[Val4Met]RCLRGGSRGA

ClinVar aggregate classification (germline): Uncertain significance (1 of 4 stars; one submission).

Conditions:
Arginine:glycine amidinotransferase deficiency (CCDS3). Also called: Creatine deficiency syndrome due to AGAT deficiency; GATM deficiency; AGAT deficiency; L-Arginine:Glycine Amidinotransferase Deficiency; L-Arginine:Glycine Amidinotransferase (AGAT) Deficiency; Cerebral creatine deficiency syndrome 3. Identifiers: Orphanet 35704, MedGen C2675179, MONDO:0012996, OMIM 612718.

Allele frequency attached by ClinVar (database versions not stated): TOPMed below 0.00001; gnomAD 0.00001.

Submission:

Labcorp Genetics (formerly Invitae), Labcorp
Classification: Uncertain significance for Arginine:glycine amidinotransferase deficiency. Last evaluated: 2022-11-22. Review status: criteria provided, single submitter. Criteria: Invitae Variant Classification Sherloc (09022015). Collection method: clinical testing. Allele origin: germline.
Comment: In summary, the available evidence is currently insufficient to determine the role of this variant in disease. Therefore, it has been classified as a Variant of Uncertain Significance. Algorithms developed to predict the effect of missense changes on protein structure and function are either unavailable or do not agree on the potential impact of this missense change (SIFT: "Deleterious"; PolyPhen-2: "Benign"; Align-GVGD: "Class C0"). This variant has not been reported in the literature in individuals affected with GATM-related conditions. This variant is not present in population databases (gnomAD no frequency). This sequence change replaces valine, which is neutral and non-polar, with methionine, which is neutral and non-polar, at codon 4 of the GATM protein (p.Val4Met).